The following is an entry in ClinVar:

ClinVar aggregate classification (germline): Uncertain significance. Review status: criteria provided, multiple submitters, no conflicts (2 of 4 stars). 2 submissions from 2 submitters: Uncertain significance (2). Last evaluated 2025-09-21.

Conditions:
Inborn genetic diseases. Identifiers: MedGen C0950123, MeSH D030342.

Allele frequency attached by ClinVar (database versions not stated): TOPMed below 0.00001.

Submissions (2):

Ambry Genetics
Classification: Uncertain significance for Inborn genetic diseases. Last evaluated: 2025-09-21. Review status: criteria provided, single submitter. Criteria: Ambry Variant Classification Scheme 2023. Collection method: clinical testing. Allele origin: germline.

Labcorp Genetics (formerly Invitae), Labcorp
Classification: Uncertain significance. Last evaluated: 2021-10-19. Review status: criteria provided, single submitter. Criteria: Invitae Variant Classification Sherloc (09022015). Collection method: clinical testing. Allele origin: germline.
Comment: This variant is not present in population databases (ExAC no frequency). This sequence change replaces aspartic acid with glycine at codon 169 of the MICU1 protein (p.Asp169Gly). The aspartic acid residue is highly conserved and there is a moderate physicochemical difference between aspartic acid and glycine. This variant has not been reported in the literature in individuals affected with MICU1-related conditions. In summary, the available evidence is currently insufficient to determine the role of this variant in disease. Therefore, it has been classified as a Variant of Uncertain Significance. Algorithms developed to predict the effect of missense changes on protein structure and function are either unavailable or do not agree on the potential impact of this missense change (SIFT: "Deleterious"; PolyPhen-2: "Not Available"; Align-GVGD: "Class C65").

NM_001195518.2(MICU1):c.506A>G (p.Asp169Gly)

Gene: MICU1 (mitochondrial calcium uptake 1; minus strand). Cytogenetic location: 10q22.1.
Variant type: single nucleotide variant.
Coding change: c.506A>G on transcript NM_001195518.2 (MANE Select); coding-DNA position 506, A replaced by G.
Protein change: p.Asp169Gly; replaces aspartic acid 169 with glycine.
Molecular consequence: missense variant.
Genome position (GRCh38, 1-based): chr10:72,533,777, T>C on the plus strand (A>G on the coding strand, the complement: MICU1 is on the minus strand). VCF-style: chr10-72533777-T-C. GRCh37 (hg19) VCF-style: chr10-74293535-T-C.
Other names: c.506A>G (NM_006077.3); c.506A>G, p.Asp169Gly (NM_001363513.2, NM_006077.4); short protein forms D169G.
Identifiers: ClinVar variation 1460479 (VCV001460479.7), dbSNP rs1839554212, ClinGen allele CA377394636.